The following is an entry in ClinVar:

ClinVar aggregate classification (germline): Conflicting classifications of pathogenicity. Review status: criteria provided, conflicting classifications (1 of 4 stars). 3 submissions from 3 submitters: Uncertain significance (1); Likely benign (2). Last evaluated 2026-01-11.

Conditions:
Hereditary cancer-predisposing syndrome. Also called: Tumor predisposition; Hereditary Cancer Syndrome; Neoplastic Syndromes, Hereditary; Hereditary neoplastic syndrome. Identifiers: Orphanet 140162, MedGen C0027672, MeSH D009386, MONDO:0015356.
Hereditary breast ovarian cancer syndrome. Also called: Hereditary breast and ovarian cancer; Breast and ovarian cancer; Hereditary breast and/or ovarian cancer syndrome; Hereditary breast and ovarian cancer syndrome; BRCA1- and BRCA2-Associated Hereditary Breast and Ovarian Cancer; Hereditary breast and ovarian cancer syndrome (HBOC). Identifiers: Orphanet 145, MedGen C0677776, MeSH D061325, MONDO:0003582. Disease mechanism: loss of function.

Allele frequency attached by ClinVar (database versions not stated): gnomAD exomes below 0.00001.
gnomAD v4.1: 1 of 1,613,942 alleles (0.000062%); highest among the groups gnomAD compares: Non-Finnish European, 0.000085%; no homozygotes.

Submissions (3):

Labcorp Genetics (formerly Invitae), Labcorp
Classification: Uncertain significance for Hereditary breast ovarian cancer syndrome. Last evaluated: 2026-01-11. Review status: criteria provided, single submitter. Criteria: Invitae Variant Classification Sherloc (09022015). Collection method: clinical testing. Allele origin: germline.
Comment: This sequence change replaces serine, which is neutral and polar, with glycine, which is neutral and non-polar, at codon 1008 of the BRCA2 protein (p.Ser1008Gly). This variant is present in population databases (no rsID available, gnomAD 0.0009%). This variant has not been reported in the literature in individuals affected with BRCA2-related conditions. ClinVar contains an entry for this variant (Variation ID: 822627). Invitae Evidence Modeling of protein sequence and biophysical properties (such as structural, functional, and spatial information, amino acid conservation, physicochemical variation, residue mobility, and thermodynamic stability) indicates that this missense variant is not expected to disrupt BRCA2 protein function with a negative predictive value of 95%. In summary, the available evidence is currently insufficient to determine the role of this variant in disease. Therefore, it has been classified as a Variant of Uncertain Significance.

University of Washington Department of Laboratory Medicine, University of Washington
Classification: Likely benign for Hereditary cancer-predisposing syndrome. Last evaluated: 2023-03-23. Review status: criteria provided, single submitter. Criteria: Dines et al. (Genet Med. 2020). Collection method: curation. Allele origin: germline.
Comment: Missense variant in a coldspot region where missense variants are very unlikely to be pathogenic (PMID:31911673).

BRCA2 exon 11 coldspot. Reclassification based on statistical prior probability.

Ambry Genetics
Classification: Likely benign for Hereditary cancer-predisposing syndrome. Last evaluated: 2018-09-11. Review status: criteria provided, single submitter. Criteria: Ambry Variant Classification Scheme 2023. Collection method: clinical testing. Allele origin: germline.

NM_000059.4(BRCA2):c.3022A>G (p.Ser1008Gly)

Gene: BRCA2 (BRCA2 DNA repair associated; plus strand). Cytogenetic location: 13q13.1.
Variant type: single nucleotide variant.
Coding change: c.3022A>G on transcript NM_000059.4 (MANE Select); coding-DNA position 3022, A replaced by G.
Protein change: p.Ser1008Gly; replaces serine 1008 with glycine.
Molecular consequence: missense variant.
Genome position (GRCh38, 1-based): chr13:32,337,377, A>G. VCF-style: chr13-32337377-A-G. GRCh37 (hg19) VCF-style: chr13-32911514-A-G.
Other names: short protein forms S1008G.
Identifiers: ClinVar variation 822627 (VCV000822627.13), dbSNP rs1386536852, ClinGen allele CA387774854.
Genomic context (GRCh38, chr13:32,337,377, plus strand): 5'-GATTACATGAACAAATGGGCAGGACTCTTAGGTCCAATTTCAAATCACAGTTTTGGAGGT[A>G]GCTTCAGAACAGCTTCAAATAAGGAAATCAAGCTCTCTGAACATAACATTAAGAAGAGCA-3'
Protein context (NP_000050.3, residues 998-1018): GPISNHSFGG[Ser1008Gly]FRTASNKEIK